The following is an entry in ClinVar:

NM_006767.4(LZTR1):c.873del (p.Phe292fs)

Gene: LZTR1 (leucine zipper like post translational regulator 1; plus strand). Cytogenetic location: 22q11.21.
Variant type: Deletion.
Coding change: c.873del on transcript NM_006767.4 (MANE Select); coding-DNA position 873, one base deleted (C; older notation c.873delC).
Protein change: p.Phe292fs; shifts the reading frame from phenylalanine 292.
Molecular consequence: frameshift variant.
Genome position (GRCh38, 1-based): chr22:20,991,709, C deleted; the last of 2 consecutive C bases (chr22:20,991,708-20,991,709); deleting either gives the same sequence. VCF-style (leftmost placement, unchanged base first): chr22-20991707-GC-G. GRCh37 (hg19) VCF-style: chr22-21345996-GC-G.
Other names: c.873delC (NM_006767.3); short protein forms F292fs.
Identifiers: ClinVar variation 3340844 (VCV003340844.2).
Genomic context (GRCh38, chr22:20,991,707, plus strand): 5'-GAACACCTGCTCCGGGGCTCCCCACCACCCCCGCAGCGGCGCTACGGGCATACCATGGTG[GC>G]CTTTGACCGCCACCTCTATGTGTTTGGGGGTGCGGCCGACAACACGCTGCCCAACGAGCT-3'

ClinVar aggregate classification (germline): Pathogenic/Likely pathogenic. Review status: criteria provided, multiple submitters, no conflicts (2 of 4 stars). 2 submissions from 2 submitters: Pathogenic (1); Likely pathogenic (1). Last evaluated 2026-05-12.

Conditions:
Cardiovascular phenotype. Identifiers: MedGen CN230736.
Hereditary cancer-predisposing syndrome. Also called: Neoplastic Syndromes, Hereditary; Tumor predisposition; Hereditary Cancer Syndrome; Hereditary neoplastic syndrome. Identifiers: Orphanet 140162, MedGen C0027672, MeSH D009386, MONDO:0015356.

Submissions (2):

Ambry Genetics
Classification: Pathogenic for Cardiovascular phenotype; Hereditary cancer-predisposing syndrome. Last evaluated: 2026-05-12. Review status: criteria provided, single submitter. Criteria: Ambry Variant Classification Scheme 2023. Collection method: clinical testing. Allele origin: germline.
Comment: The c.873delC pathogenic mutation, located in coding exon 9 of the LZTR1 gene, results from a deletion of one nucleotide at nucleotide position 873, causing a translational frameshift with a predicted alternate stop codon (p.F292Lfs*59). This variant is considered to be rare based on population cohorts in the Genome Aggregation Database (gnomAD). This alteration is expected to result in loss of function by premature protein truncation or nonsense-mediated mRNA decay. Based on the supporting evidence, this variant is pathogenic for an increased risk of LZTR1-related schwannomatosis (SWN) and would be expected to cause autosomal recessive Noonan syndrome when present along with a second pathogenic or likely pathogenic variant on the other allele; however, the association of this variant with autosomal dominant Noonan syndrome is unlikely.

GeneDx
Classification: Likely pathogenic. Last evaluated: 2024-02-29. Review status: criteria provided, single submitter. Criteria: GeneDx Variant Classification Process June 2021. Collection method: clinical testing. Allele origin: germline. Affected: yes.
Comment: Frameshift variant predicted to result in protein truncation or nonsense mediated decay in a gene for which loss of function is a known mechanism of disease; Not observed at significant frequency in large population cohorts (gnomAD); Has not been previously published as pathogenic or benign to our knowledge